The following is an entry in ClinVar:

ClinVar aggregate classification (germline): Uncertain significance (1 of 4 stars; one submission).

Submission:

GeneDx
Classification: Uncertain significance. Last evaluated: 2023-07-11. Review status: criteria provided, single submitter. Criteria: GeneDx Variant Classification Process June 2021. Collection method: clinical testing. Allele origin: germline. Affected: yes.
Comment: Not observed at significant frequency in large population cohorts (gnomAD); Frameshift variant predicted to result in protein truncation or nonsense mediated decay in a gene or region of a gene for which loss of function is not a well-established mechanism of disease; Has not been previously published as pathogenic or benign to our knowledge; Variants in candidate genes are classified as variants of uncertain significance in accordance with ACMG guidelines (Richards et al., 2015)

NM_001395159.1(UNC79):c.6635del (p.Asn2212fs)

Gene: UNC79 (unc-79 homolog, NALCN channel complex subunit; plus strand). Cytogenetic location: 14q32.12.
Variant type: Deletion.
Coding change: c.6635del on transcript NM_001395159.1 (MANE Select); coding-DNA position 6635, one base deleted (A; older notation c.6635delA).
Protein change: p.Asn2212fs; shifts the reading frame from asparagine 2212.
Molecular consequence: frameshift variant.
Genome position (GRCh38, 1-based): chr14:93,655,253, A deleted; the last of 2 consecutive A bases (chr14:93,655,252-93,655,253); deleting either gives the same sequence. VCF-style (leftmost placement, unchanged base first): chr14-93655251-GA-G. GRCh37 (hg19) VCF-style: chr14-94121597-GA-G.
Other names: c.6569del, p.Asn2190fs (NM_001346218.2); c.5888del, p.Asn1963fs (NM_020818.5); short protein forms N1963fs, N2190fs, N2212fs.
Identifiers: ClinVar variation 3360600 (VCV003360600.1).